The following is an entry in ClinVar:

NM_001184.4(ATR):c.7503+5G>A

Gene: ATR (ATR checkpoint kinase; minus strand). Cytogenetic location: 3q23.
Variant type: single nucleotide variant.
Coding change: c.7503+5G>A on transcript NM_001184.4 (MANE Select); 5 bases into the intron after coding-DNA position 7503, G replaced by A.
Molecular consequence: intron variant.
Genome position (GRCh38, 1-based): chr3:142,458,953, C>T on the plus strand (G>A on the coding strand, the complement: ATR is on the minus strand). VCF-style: chr3-142458953-C-T. GRCh37 (hg19) VCF-style: chr3-142177795-C-T.
Other names: c.7311+5G>A (NM_001354579.2).
Identifiers: ClinVar variation 3714755 (VCV003714755.2).
Genomic context (GRCh38, chr3:142,458,953, plus strand): 5'-TACAGTTGTTGAGAAAAGGAAATTGAGAGAAAACACAATTAGTAAGAGTAACTCATATCA[C>T]ATACCTTATTGAAAAGACAATTGAAATCTACATGTACGCATTCACCAGTCAAAGAATCAA-3'

ClinVar aggregate classification (germline): Uncertain significance (1 of 4 stars; one submission).

gnomAD v4.1: 18 of 1,613,340 alleles (0.0011%); highest among the groups gnomAD compares: Non-Finnish European, 0.0015%; no homozygotes.

Submission:

Labcorp Genetics (formerly Invitae), Labcorp
Classification: Uncertain significance. Last evaluated: 2025-04-07. Review status: criteria provided, single submitter. Criteria: Invitae Variant Classification Sherloc (09022015). Collection method: clinical testing. Allele origin: germline.
Comment: This sequence change falls in intron 44 of the ATR gene. It does not directly change the encoded amino acid sequence of the ATR protein. It affects a nucleotide within the consensus splice site. This variant is present in population databases (rs376727616, gnomAD 0.002%). This variant has not been reported in the literature in individuals affected with ATR-related conditions. ClinVar contains an entry for this variant (Variation ID: 3714755). Variants that disrupt the consensus splice site are a relatively common cause of aberrant splicing (PMID: 17576681, 9536098). Algorithms developed to predict the effect of sequence changes on RNA splicing suggest that this variant may disrupt the consensus splice site. In summary, the available evidence is currently insufficient to determine the role of this variant in disease. Therefore, it has been classified as a Variant of Uncertain Significance.

Literature cited by the submitters: PubMed 17576681; PubMed 9536098.